The following is an entry in ClinVar:

NM_022168.4(IFIH1):c.1432G>T (p.Val478Leu)

Gene: IFIH1 (interferon induced with helicase C domain 1; minus strand). Cytogenetic location: 2q24.2.
Variant type: single nucleotide variant.
Coding change: c.1432G>T on transcript NM_022168.4 (MANE Select); coding-DNA position 1432, G replaced by T.
Protein change: p.Val478Leu; replaces valine 478 with leucine.
Molecular consequence: missense variant.
Genome position (GRCh38, 1-based): chr2:162,281,420, C>A on the plus strand (G>T on the coding strand, the complement: IFIH1 is on the minus strand). VCF-style: chr2-162281420-C-A. GRCh37 (hg19) VCF-style: chr2-163137930-C-A.
Other names: short protein forms V478L.
Identifiers: ClinVar variation 3753632 (VCV003753632.2).

ClinVar aggregate classification (germline): Uncertain significance (1 of 4 stars; one submission).

Conditions:
Singleton-Merten syndrome 1 (SGMRT1). Also called: Widened medullary cavities of bone, aortic calcification, abnormal dentition, and muscular weakness; Syndrome of widened medullary cavities of the metacarpals and phalanges, aortic calcification and abnormal dentition. Identifiers: Orphanet 85191, MedGen C4225427, MONDO:0024535, OMIM 182250.
Aicardi-Goutieres syndrome 7 (AGS7). Identifiers: Orphanet 51, MedGen C3888244, MONDO:0014367, OMIM 615846.

gnomAD v4.1: 1 of 1,612,600 alleles (0.000062%); highest among the groups gnomAD compares: African/African-American, 0.0013%; no homozygotes.

Submission:

Labcorp Genetics (formerly Invitae), Labcorp
Classification: Uncertain significance for Aicardi-Goutieres syndrome 7; Singleton-Merten syndrome 1. Last evaluated: 2024-03-01. Review status: criteria provided, single submitter. Criteria: Invitae Variant Classification Sherloc (09022015). Collection method: clinical testing. Allele origin: germline.
Comment: This sequence change replaces valine, which is neutral and non-polar, with leucine, which is neutral and non-polar, at codon 478 of the IFIH1 protein (p.Val478Leu). This variant is not present in population databases (gnomAD no frequency). This variant has not been reported in the literature in individuals affected with IFIH1-related conditions. Advanced modeling of protein sequence and biophysical properties (such as structural, functional, and spatial information, amino acid conservation, physicochemical variation, residue mobility, and thermodynamic stability) has been performed at Invitae for this missense variant, however the output from this modeling did not meet the statistical confidence thresholds required to predict the impact of this variant on IFIH1 protein function. Algorithms developed to predict the effect of sequence changes on RNA splicing suggest that this variant may disrupt the consensus splice site. In summary, the available evidence is currently insufficient to determine the role of this variant in disease. Therefore, it has been classified as a Variant of Uncertain Significance.